The following is an entry in ClinVar:

ClinVar aggregate classification (germline): Uncertain significance (1 of 4 stars; one submission).

Submission:

Labcorp Genetics (formerly Invitae), Labcorp
Classification: Uncertain significance. Last evaluated: 2024-06-02. Review status: criteria provided, single submitter. Criteria: Invitae Variant Classification Sherloc (09022015). Collection method: clinical testing. Allele origin: germline.
Comment: This sequence change replaces isoleucine, which is neutral and non-polar, with phenylalanine, which is neutral and non-polar, at codon 401 of the SERPING1 protein (p.Ile401Phe). This variant is not present in population databases (gnomAD no frequency). This variant has not been reported in the literature in individuals affected with SERPING1-related conditions. Algorithms developed to predict the effect of missense changes on protein structure and function output the following: SIFT: "Not Available"; PolyPhen-2: "Benign"; Align-GVGD: "Not Available". The phenylalanine amino acid residue is found in multiple mammalian species, which suggests that this missense change does not adversely affect protein function. This variant disrupts the p.Ile401 amino acid residue in SERPING1. Other variant(s) that disrupt this residue have been observed in individuals with SERPING1-related conditions (PMID: 31517426, 36348183), which suggests that this may be a clinically significant amino acid residue. In summary, the available evidence is currently insufficient to determine the role of this variant in disease. Therefore, it has been classified as a Variant of Uncertain Significance.

Literature cited by the submitters: PubMed 31517426; PubMed 36348183.

NM_000062.3(SERPING1):c.1201A>T (p.Ile401Phe)

Gene: SERPING1 (serpin family G member 1; plus strand). Cytogenetic location: 11q12.1.
Variant type: single nucleotide variant.
Coding change: c.1201A>T on transcript NM_000062.3 (MANE Select); coding-DNA position 1201, A replaced by T.
Protein change: p.Ile401Phe; replaces isoleucine 401 with phenylalanine.
Molecular consequence: missense variant.
Genome position (GRCh38, 1-based): chr11:57,611,888, A>T. VCF-style: chr11-57611888-A-T. GRCh37 (hg19) VCF-style: chr11-57379361-A-T.
Other names: c.1201A>T, p.Ile401Phe (NM_001032295.2); short protein forms I401F.
Identifiers: ClinVar variation 3655282 (VCV003655282.2).